The following is an entry in ClinVar:

ClinVar aggregate classification (germline): Likely pathogenic (1 of 4 stars; one submission).

Conditions:
KBG syndrome (KBGS). Also called: ANKRD11-Related KBG Syndrome. Identifiers: Orphanet 2332, MedGen C0220687, MONDO:0007846, OMIM 148050.

Submission:

Umrani?ye Training and Research Hospital
Classification: Likely pathogenic for KBG syndrome. Last evaluated: 2026-06-29. Review status: criteria provided, single submitter. Criteria: ACMG Guidelines, 2015. Collection method: clinical testing. Allele origin: germline. Inheritance: Autosomal dominant inheritance. Affected: yes.
Comment: PVS1, PM2

Literature cited by the submitters: PubMed 42808190.

NM_013275.6(ANKRD11):c.795del (p.Gly267fs)

Gene: ANKRD11 (ankyrin repeat domain 11; minus strand). Cytogenetic location: 16q24.3.
Variant type: Deletion.
Coding change: c.795del on transcript NM_013275.6 (MANE Select); coding-DNA position 795, one base deleted (G; older notation c.795delG).
Protein change: p.Gly267fs; shifts the reading frame from glycine 267.
Molecular consequence: frameshift variant.
Genome position (GRCh38, 1-based): chr16:89,286,136, C deleted on the plus strand (G on the coding strand, the reverse complement: ANKRD11 is on the minus strand); the first of 2 consecutive C bases (chr16:89,286,136-89,286,137); deleting either gives the same sequence. VCF-style (leftmost placement, unchanged base first): chr16-89286135-TC-T. GRCh37 (hg19) VCF-style: chr16-89352543-TC-T.
Other names: NP_037407.4:p.(Gly267AlafsTer5); c.795del, p.Gly267fs (NM_001256182.2, NM_001256183.2); short protein forms G267fs.
Identifiers: ClinVar variation 4876218 (VCV004876218.1).
Genomic context (GRCh38, chr16:89,286,135, plus strand): 5'-TGCCTAACAGGAGGTTCACCATCGTGGGGGAGTTGGCCACTTTCAGCGGCGTCTCGCCTT[TC>T]CTGTTGCTCTGCTGCGGGTTCCCTCCGTACCGCAGCAGCAGCTTCACCACCTACAAGACA-3'